The following is an entry in ClinVar:

ClinVar aggregate classification (germline): Uncertain significance (1 of 4 stars; one submission).

Conditions:
Hypertrophic cardiomyopathy 2. Also called: TNNT2-Related Familial Hypertrophic Cardiomyopathy. Identifiers: MedGen C1861864, MONDO:0007266, OMIM 115195.
Dilated cardiomyopathy 1D. Identifiers: Orphanet 154, Orphanet 54260, MedGen C1832243, MONDO:0011095, OMIM 601494.
Cardiomyopathy, familial restrictive, 3. Identifiers: Orphanet 75249, MedGen C2676271, MONDO:0012900, OMIM 612422.

Submission:

Labcorp Genetics (formerly Invitae), Labcorp
Classification: Uncertain significance for Cardiomyopathy, familial restrictive, 3; Hypertrophic cardiomyopathy 2; Dilated cardiomyopathy 1D. Last evaluated: 2025-07-18. Review status: criteria provided, single submitter. Criteria: Invitae Variant Classification Sherloc (09022015). Collection method: clinical testing. Allele origin: germline.
Comment: This sequence change replaces arginine, which is basic and polar, with proline, which is neutral and non-polar, at codon 144 of the TNNT2 protein (p.Arg144Pro). This variant is not present in population databases (gnomAD no frequency). This variant has not been reported in the literature in individuals affected with TNNT2-related conditions. Invitae Evidence Modeling of protein sequence and biophysical properties (such as structural, functional, and spatial information, amino acid conservation, physicochemical variation, residue mobility, and thermodynamic stability) indicates that this missense variant is not expected to disrupt TNNT2 protein function with a negative predictive value of 80%. In summary, the available evidence is currently insufficient to determine the role of this variant in disease. Therefore, it has been classified as a Variant of Uncertain Significance.

NM_001276345.2(TNNT2):c.461G>C (p.Arg154Pro)

Gene: TNNT2 (troponin T2, cardiac type; minus strand). Cytogenetic location: 1q32.1.
Variant type: single nucleotide variant.
Coding change: c.461G>C on transcript NM_001276345.2 (MANE Select); coding-DNA position 461, G replaced by C.
Protein change: p.Arg154Pro; replaces arginine 154 with proline.
Molecular consequence: missense variant.
Genome position (GRCh38, 1-based): chr1:201,364,326, C>G on the plus strand (G>C on the coding strand, the complement: TNNT2 is on the minus strand). VCF-style: chr1-201364326-C-G. GRCh37 (hg19) VCF-style: chr1-201333454-C-G.
Other names: c.461G>C, p.Arg154Pro (NM_000364.4, NM_001406723.1); c.431G>C, p.Arg144Pro (NM_001001430.3, NM_001001431.3, NM_001276347.2 and 3 more transcripts); c.416G>C, p.Arg139Pro (NM_001001432.3, NM_001406728.1); c.341G>C, p.Arg114Pro (NM_001276346.2); c.428G>C, p.Arg143Pro (NM_001406725.1); short protein forms R143P, R139P, R114P, R154P, R144P.
Identifiers: ClinVar variation 4789266 (VCV004789266.1).